The following is an entry in ClinVar:

NM_198253.3(TERT):c.1387G>A (p.Gly463Ser)

Gene: TERT (telomerase reverse transcriptase; minus strand). Cytogenetic location: 5p15.33.
Variant type: single nucleotide variant.
Coding change: c.1387G>A on transcript NM_198253.3 (MANE Select); coding-DNA position 1387, G replaced by A.
Protein change: p.Gly463Ser; replaces glycine 463 with serine.
Molecular consequence: missense variant. On other transcripts: non-coding transcript variant (2).
Genome position (GRCh38, 1-based): chr5:1,293,499, C>T on the plus strand (G>A on the coding strand, the complement: TERT is on the minus strand). VCF-style: chr5-1293499-C-T. GRCh37 (hg19) VCF-style: chr5-1293614-C-T.
Other names: c.1387G>A, p.Gly463Ser (NM_001193376.3); short protein forms G463S.
Identifiers: ClinVar variation 1382654 (VCV001382654.7), dbSNP rs1751127777, ClinGen allele CA359085859.

ClinVar aggregate classification (germline): Uncertain significance. Review status: criteria provided, multiple submitters, no conflicts (2 of 4 stars). 4 submissions from 4 submitters: Uncertain significance (3). 1 of the submissions does not count toward it. Last evaluated 2026-01-02.

Conditions:
Dyskeratosis congenita. Identifiers: Orphanet 1775, MedGen C0265965, MONDO:0015780.
TERT-related disorder. Also called: TERT-related disorders; TERT-related condition.
Dyskeratosis congenita, autosomal dominant 2. Identifiers: MedGen C3151443, MONDO:0013521, OMIM 613989.
Idiopathic Pulmonary Fibrosis. Also called: Idiopathic fibrosing alveolitis, chronic form; idiopathic fibrosing alveolitis. Identifiers: Orphanet 2032, MedGen C1800706, MeSH D054990, MONDO:0800504.

Allele frequency attached by ClinVar (database versions not stated): TOPMed 0.00001.
gnomAD v4.1: 7 of 1,582,670 alleles (0.00044%); highest among the groups gnomAD compares: Non-Finnish European, 0.0006%; no homozygotes.

Submissions (4):

Labcorp Genetics (formerly Invitae), Labcorp
Classification: Uncertain significance for Dyskeratosis congenita, autosomal dominant 2; Idiopathic Pulmonary Fibrosis. Last evaluated: 2026-01-02. Review status: criteria provided, single submitter. Criteria: Invitae Variant Classification Sherloc (09022015). Collection method: clinical testing. Allele origin: germline.
Comment: This sequence change replaces glycine, which is neutral and non-polar, with serine, which is neutral and polar, at codon 463 of the TERT protein (p.Gly463Ser). This variant is not present in population databases (gnomAD no frequency). This variant has not been reported in the literature in individuals affected with TERT-related conditions. ClinVar contains an entry for this variant (Variation ID: 1382654). Invitae Evidence Modeling of protein sequence and biophysical properties (such as structural, functional, and spatial information, amino acid conservation, physicochemical variation, residue mobility, and thermodynamic stability) indicates that this missense variant is not expected to disrupt TERT protein function with a negative predictive value of 95%. In summary, the available evidence is currently insufficient to determine the role of this variant in disease. Therefore, it has been classified as a Variant of Uncertain Significance.

GeneDx
Classification: Uncertain significance. Last evaluated: 2023-05-09. Review status: criteria provided, single submitter. Criteria: GeneDx Variant Classification Process June 2021. Collection method: clinical testing. Allele origin: germline. Affected: yes.
Comment: Not observed at significant frequency in large population cohorts (gnomAD); In silico analysis supports that this missense variant does not alter protein structure/function; Has not been previously published as pathogenic or benign to our knowledge

Ambry Genetics
Classification: Uncertain significance for Dyskeratosis congenita. Last evaluated: 2022-07-31. Review status: criteria provided, single submitter. Criteria: Ambry Variant Classification Scheme 2023. Collection method: clinical testing. Allele origin: germline.
Comment: The p.G463S variant (also known as c.1387G>A), located in coding exon 2 of the TERT gene, results from a G to A substitution at nucleotide position 1387. The glycine at codon 463 is replaced by serine, an amino acid with similar properties. This amino acid position is conserved. In addition, this alteration is predicted to be tolerated by in silico analysis. Since supporting evidence is limited at this time, the clinical significance of this alteration remains unclear.

PreventionGenetics, part of Exact Sciences
Classification: Uncertain significance for TERT-related condition. Last evaluated: 2024-06-25. Review status: no assertion criteria provided. Collection method: clinical testing. Allele origin: germline. Not counted in ClinVar's aggregate classification.
Comment: The TERT c.1387G>A variant is predicted to result in the amino acid substitution p.Gly463Ser. To our knowledge, this variant has not been reported in the literature or in a large population database, indicating this variant is rare. This variant is reported as a variant of uncertain significance in the ClinVar database. At this time, the clinical significance of this variant is uncertain due to the absence of conclusive functional and genetic evidence.